The following is an entry in ClinVar:

NM_000722.4(CACNA2D1):c.2686G>A (p.Ala896Thr)

Gene: CACNA2D1 (calcium voltage-gated channel auxiliary subunit alpha2delta 1; minus strand). Cytogenetic location: 7q21.11.
Variant type: single nucleotide variant.
Coding change: c.2686G>A on transcript NM_000722.4 (MANE Select); coding-DNA position 2686, G replaced by A.
Protein change: p.Ala896Thr; replaces alanine 896 with threonine.
Molecular consequence: missense variant.
Genome position (GRCh38, 1-based): chr7:81,964,248, C>T on the plus strand (G>A on the coding strand, the complement: CACNA2D1 is on the minus strand). VCF-style: chr7-81964248-C-T. GRCh37 (hg19) VCF-style: chr7-81593564-C-T.
Other names: c.2722G>A, p.Ala908Thr (NM_001366867.1); short protein forms A896T, A908T.
Identifiers: ClinVar variation 1794729 (VCV001794729.2), dbSNP rs769219661, ClinGen allele CA4317552.

ClinVar aggregate classification (germline): Uncertain significance (1 of 4 stars; one submission).

Conditions:
Cardiovascular phenotype. Identifiers: MedGen CN230736.

Allele frequency attached by ClinVar (database versions not stated): gnomAD exomes below 0.00001; TOPMed below 0.00001; ExAC 0.00002.
gnomAD v4.1: 5 of 1,612,830 alleles (0.00031%); highest among the groups gnomAD compares: Admixed American, 0.0033%; no homozygotes.

Submission:

Ambry Genetics
Classification: Uncertain significance for Cardiovascular phenotype. Last evaluated: 2022-07-25. Review status: criteria provided, single submitter. Criteria: Ambry Variant Classification Scheme 2023. Collection method: clinical testing. Allele origin: germline.
Comment: The p.A896T variant (also known as c.2686G>A), located in coding exon 33 of the CACNA2D1 gene, results from a G to A substitution at nucleotide position 2686. The alanine at codon 896 is replaced by threonine, an amino acid with similar properties. This amino acid position is conserved. In addition, this alteration is predicted to be tolerated by in silico analysis. Since supporting evidence is limited at this time, the clinical significance of this alteration remains unclear.